The following is an entry in ClinVar:

ClinVar aggregate classification (germline): Benign. Review status: criteria provided, multiple submitters, no conflicts (2 of 4 stars). 2 submissions from 2 submitters: Benign (2). Last evaluated 2018-01-12.

Conditions:
Congenital hyperammonemia, type I. Also called: CPS I DEFICIENCY; Carbamoyl phosphate synthetase 1 deficiency; Hyperammonemia due to carbamoyl phosphate synthetase 1 deficiency; CPS 1 deficiency; Carbamyl phosphate synthetase (CPS) deficiency; Carbamoyl phosphate synthetase I deficiency disease. Identifiers: Orphanet 147, MedGen C4082171, MONDO:0009376, OMIM 237300.

Allele frequency attached by ClinVar (database versions not stated): 1000 Genomes Project 0.23622; 1000 Genomes Project 30x 0.23876; TOPMed 0.27293; gnomAD 0.27879 and 0.27930; gnomAD exomes 0.29679.
gnomAD v4.1: 102,727 of 355,210 alleles (29%); highest among the groups gnomAD compares: Non-Finnish European, 31%; 15,329 homozygotes.

Submissions (2):

Illumina Laboratory Services, Illumina
Classification: Benign for Congenital hyperammonemia, type I. Last evaluated: 2018-01-12. Review status: criteria provided, single submitter. Criteria: ICSL Variant Classification Criteria 13 December 2019. Collection method: clinical testing. Allele origin: germline.
Comment: This variant was observed in the ICSL laboratory as part of a predisposition screen in an ostensibly healthy population. It had not been previously curated by ICSL or reported in the Human Gene Mutation Database (HGMD: prior to June 1st, 2018), and was therefore a candidate for classification through an automated scoring system. Utilizing variant allele frequency, disease prevalence and penetrance estimates, and inheritance mode, an automated score was calculated to assess if this variant is too frequent to cause the disease. Based on the score and internal cut-off values, a variant classified as benign is not then subjected to further curation. The score for this variant resulted in a classification of benign for this disease.

Breakthrough Genomics
Classification: Benign. Review status: criteria provided, single submitter. Criteria: ACMG Guidelines, 2015. Collection method: not provided. Allele origin: germline. Inheritance: Autosomal recessive inheritance. Affected: yes.

NM_001875.5(CPS1):c.*346T>C

Gene: CPS1 (carbamoyl-phosphate synthase 1; plus strand). Cytogenetic location: 2q34.
Variant type: single nucleotide variant.
Coding change: c.*346T>C on transcript NM_001875.5 (MANE Select); 346 bases downstream of the stop codon, T replaced by C.
Molecular consequence: 3 prime UTR variant. On other transcripts: non-coding transcript variant (2).
Genome position (GRCh38, 1-based): chr2:210,678,331, T>C. VCF-style: chr2-210678331-T-C. GRCh37 (hg19) VCF-style: chr2-211543055-T-C.
Other names: c.*346T>C (LRG_336t1, NM_001122633.3, NM_001369256.1 and 1 more transcripts).
Identifiers: ClinVar variation 334042 (VCV000334042.6), dbSNP rs715, ClinGen allele CA10614077.